The following is an entry in ClinVar:

NM_001854.4(COL11A1):c.1594G>T (p.Gly532Cys)

Gene: COL11A1 (collagen type XI alpha 1 chain; minus strand). Cytogenetic location: 1p21.1.
Variant type: single nucleotide variant.
Coding change: c.1594G>T on transcript NM_001854.4 (MANE Select); coding-DNA position 1594, G replaced by T.
Protein change: p.Gly532Cys; replaces glycine 532 with cysteine.
Molecular consequence: missense variant. On other transcripts: non-coding transcript variant (1).
Genome position (GRCh38, 1-based): chr1:103,012,448, C>A on the plus strand (G>T on the coding strand, the complement: COL11A1 is on the minus strand). VCF-style: chr1-103012448-C-A. GRCh37 (hg19) VCF-style: chr1-103478004-C-A.
Other names: c.1246G>T, p.Gly416Cys (NM_001168249.1, NM_080630.4); c.1477G>T, p.Gly493Cys (NM_001190709.2); c.1630G>T, p.Gly544Cys (NM_080629.3); short protein forms G416C, G493C, G532C, G544C.
Identifiers: ClinVar variation 1715330 (VCV001715330.5), dbSNP rs2525470603, ClinGen allele CA341177357.

ClinVar aggregate classification (germline): Uncertain significance (1 of 4 stars; one submission).

Submission:

Labcorp Genetics (formerly Invitae), Labcorp
Classification: Uncertain significance. Last evaluated: 2022-09-13. Review status: criteria provided, single submitter. Criteria: Invitae Variant Classification Sherloc (09022015). Collection method: clinical testing. Allele origin: germline.
Comment: This sequence change replaces glycine, which is neutral and non-polar, with cysteine, which is neutral and slightly polar, at codon 532 of the COL11A1 protein (p.Gly532Cys). This variant is not present in population databases (gnomAD no frequency). This missense change has been observed in individual(s) with clinical features of Stickler syndrome (Invitae). Algorithms developed to predict the effect of missense changes on protein structure and function (SIFT, PolyPhen-2, Align-GVGD) all suggest that this variant is likely to be disruptive. In summary, the available evidence is currently insufficient to determine the role of this variant in disease. Therefore, it has been classified as a Variant of Uncertain Significance.